The following is an entry in ClinVar:

ClinVar aggregate classification (germline): Likely benign (0 of 4 stars; one submission).

Conditions:
NR0B2-related disorder. Also called: NR0B2-related condition.

Submission:

PreventionGenetics, part of Exact Sciences
Classification: Likely benign for NR0B2-related condition. Last evaluated: 2022-10-25. Review status: no assertion criteria provided. Collection method: clinical testing. Allele origin: germline.
Comment: This variant is classified as likely benign based on ACMG/AMP sequence variant interpretation guidelines (Richards et al. 2015 PMID: 25741868, with internal and published modifications).

NM_021969.3(NR0B2):c.-5T>C

Genes: NR0B2 (nuclear receptor subfamily 0 group B member 2; minus strand), NUDC (nuclear distribution C, dynein complex regulator; plus strand). Cytogenetic location: 1p36.11.
Variant type: single nucleotide variant.
Coding change: c.-5T>C on transcript NM_021969.3 (MANE Select); 5 bases upstream of the start codon, T replaced by C.
Molecular consequence: 5 prime UTR variant.
Genome position (GRCh38, 1-based): chr1:26,913,945, A>G on the plus strand (T>C on the coding strand, the complement: NR0B2 is on the minus strand). VCF-style: chr1-26913945-A-G. GRCh37 (hg19) VCF-style: chr1-27240436-A-G.
Identifiers: ClinVar variation 3354297 (VCV003354297.1).
Genomic context (GRCh38, chr1:26,913,945, plus strand): 5'-GCGGGGCGGCTTGCAGCTCCCTGGCATGGGCAGGCCCCTGGTTGGCTGGTGCTCATGGTT[A>G]GGGATCTGCTCTCACTTCCAGCTCTCTGGCTCTGTGTTCTGCGCTGTGGGTGCTATTTAT-3'